The following is an entry in ClinVar:

NM_024589.3(ROGDI):c.574G>A (p.Val192Ile)

Gene: ROGDI (rogdi atypical leucine zipper; minus strand). Cytogenetic location: 16p13.3.
Variant type: single nucleotide variant.
Coding change: c.574G>A on transcript NM_024589.3 (MANE Select); coding-DNA position 574, G replaced by A.
Protein change: p.Val192Ile; replaces valine 192 with isoleucine.
Molecular consequence: missense variant. On other transcripts: non-coding transcript variant (1).
Genome position (GRCh38, 1-based): chr16:4,798,142, C>T on the plus strand (G>A on the coding strand, the complement: ROGDI is on the minus strand). VCF-style: chr16-4798142-C-T. GRCh37 (hg19) VCF-style: chr16-4848143-C-T.
Other names: c.574G>A (NM_024589.1); short protein forms V192I.
Identifiers: ClinVar variation 568406 (VCV000568406.9), dbSNP rs201931071, ClinGen allele CA7882630.

ClinVar aggregate classification (germline): Uncertain significance. Review status: criteria provided, multiple submitters, no conflicts (2 of 4 stars). 3 submissions from 3 submitters: Uncertain significance (3). Last evaluated 2024-10-23.

Conditions:
Inborn genetic diseases. Identifiers: MedGen C0950123, MeSH D030342.
Amelocerebrohypohidrotic syndrome (KTZS). Also called: Kohlschutter's syndrome; EPILEPSY AND YELLOW TEETH; EPILEPSY, DEMENTIA, AND AMELOGENESIS IMPERFECTA; KOHLSCHUTTER SYNDROME. Identifiers: Orphanet 1946, MedGen C0406740, MONDO:0009185, OMIM 226750.

Allele frequency attached by ClinVar (database versions not stated): gnomAD exomes 0.00004; ESP Exome Variant Server 0.00008; gnomAD 0.00009 and 0.00011; TOPMed 0.00014; 1000 Genomes Project 30x 0.00031; 1000 Genomes Project 0.00040.

Submissions (3):

Labcorp Genetics (formerly Invitae), Labcorp
Classification: Uncertain significance for Amelocerebrohypohidrotic syndrome. Last evaluated: 2024-10-23. Review status: criteria provided, single submitter. Criteria: Invitae Variant Classification Sherloc (09022015). Collection method: clinical testing. Allele origin: germline.
Comment: This sequence change replaces valine, which is neutral and non-polar, with isoleucine, which is neutral and non-polar, at codon 192 of the ROGDI protein (p.Val192Ile). This variant is present in population databases (rs201931071, gnomAD 0.009%). This variant has not been reported in the literature in individuals affected with ROGDI-related conditions. ClinVar contains an entry for this variant (Variation ID: 568406). An algorithm developed to predict the effect of missense changes on protein structure and function (PolyPhen-2) suggests that this variant¬†is likely to be tolerated. In summary, the available evidence is currently insufficient to determine the role of this variant in disease. Therefore, it has been classified as a Variant of Uncertain Significance.

Ambry Genetics
Classification: Uncertain significance for Inborn genetic diseases. Last evaluated: 2022-09-19. Review status: criteria provided, single submitter. Criteria: Ambry Variant Classification Scheme 2023. Collection method: clinical testing. Allele origin: germline.

Blueprint Genetics
Classification: Uncertain significance. Last evaluated: 2021-11-30. Review status: criteria provided, single submitter. Criteria: ACMG Guidelines, 2015. Collection method: clinical testing. Allele origin: germline.